The following is an entry in ClinVar:

ClinVar aggregate classification (germline): Uncertain significance. Review status: criteria provided, multiple submitters, no conflicts (2 of 4 stars). 6 submissions from 6 submitters: Uncertain significance (6). Last evaluated 2026-01-18.

Conditions:
Intrauterine growth retardation, metaphyseal dysplasia, adrenal hypoplasia congenita, genital anomalies, and immunodeficiency. Also called: IMAGEI SYNDROME. Identifiers: MedGen C5193036, MONDO:0032684, OMIM 618336.
Colorectal cancer, susceptibility to, 12 (CRCS12). Also called: COLORECTAL CANCER, SUSCEPTIBILITY TO, ON CHROMOSOME 12q24. Identifiers: Orphanet 220460, MedGen C3554460, MONDO:0014038, OMIM 615083.
Facial dysmorphism-immunodeficiency-livedo-short stature syndrome. Also called: Facial dysmorphism, immunodeficiency, livedo, and short stature; FILS syndrome. Identifiers: Orphanet 352712, MedGen C3554576, MONDO:0014058, OMIM 615139.
Hereditary cancer-predisposing syndrome. Also called: Neoplastic Syndromes, Hereditary; Hereditary Cancer Syndrome; Tumor predisposition; Hereditary neoplastic syndrome. Identifiers: Orphanet 140162, MedGen C0027672, MeSH D009386, MONDO:0015356.

Allele frequency attached by ClinVar (database versions not stated): gnomAD exomes 0.00001 and 0.00002; ExAC 0.00002; TOPMed 0.00006; gnomAD 0.00007; 1000 Genomes Project 30x 0.00016; 1000 Genomes Project 0.00020.
gnomAD v4.1: 36 of 1,613,612 alleles (0.0022%); highest among the groups gnomAD compares: African/African-American, 0.029%; no homozygotes.

Submissions (6):

Labcorp Genetics (formerly Invitae), Labcorp
Classification: Uncertain significance. Last evaluated: 2026-01-18. Review status: criteria provided, single submitter. Criteria: Invitae Variant Classification Sherloc (09022015). Collection method: clinical testing. Allele origin: germline.
Comment: This sequence change replaces alanine, which is neutral and non-polar, with valine, which is neutral and non-polar, at codon 1323 of the POLE protein (p.Ala1323Val). This variant is present in population databases (rs550525366, gnomAD 0.02%). This variant has not been reported in the literature in individuals affected with POLE-related conditions. ClinVar contains an entry for this variant (Variation ID: 572422). Invitae Evidence Modeling of protein sequence and biophysical properties (such as structural, functional, and spatial information, amino acid conservation, physicochemical variation, residue mobility, and thermodynamic stability) indicates that this missense variant is not expected to disrupt POLE protein function with a negative predictive value of 80%. In summary, the available evidence is currently insufficient to determine the role of this variant in disease. Therefore, it has been classified as a Variant of Uncertain Significance.

Ambry Genetics
Classification: Uncertain significance for Hereditary cancer-predisposing syndrome. Last evaluated: 2024-12-17. Review status: criteria provided, single submitter. Criteria: Ambry Variant Classification Scheme 2023. Collection method: clinical testing. Allele origin: germline.
Comment: The p.A1323V variant (also known as c.3968C>T), located in coding exon 31 of the POLE gene, results from a C to T substitution at nucleotide position 3968. The alanine at codon 1323 is replaced by valine, an amino acid with similar properties. This amino acid position is highly conserved in available vertebrate species. In addition, the in silico prediction for this alteration is inconclusive. Based on the available evidence, the clinical significance of this variant remains unclear.

GeneDx
Classification: Uncertain significance. Last evaluated: 2024-04-30. Review status: criteria provided, single submitter. Criteria: GeneDx Variant Classification Process June 2021. Collection method: clinical testing. Allele origin: germline. Affected: yes.
Comment: In silico analysis indicates that this missense variant does not alter protein structure/function; Has not been previously published as pathogenic or benign to our knowledge

Fulgent Genetics
Classification: Uncertain significance for Colorectal cancer, susceptibility to, 12; Facial dysmorphism-immunodeficiency-livedo-short stature syndrome; Intrauterine growth retardation, metaphyseal dysplasia, adrenal hypoplasia congenita, genital anomalies, and immunodeficiency. Last evaluated: 2024-04-23. Review status: criteria provided, single submitter. Criteria: ACMG Guidelines, 2015. Collection method: clinical testing. Allele origin: germline.

Baylor Genetics
Classification: Uncertain significance for Facial dysmorphism-immunodeficiency-livedo-short stature syndrome. Last evaluated: 2022-01-11. Review status: criteria provided, single submitter. Criteria: ACMG Guidelines, 2015. Collection method: clinical testing. Allele origin: maternal. Affected: yes. Study: CSER-TexasKidsCanSeq.
Comment: This variant was determined to be of uncertain significance according to ACMG Guidelines, 2015 [PMID:25741868].

Quest Diagnostics Nichols Institute San Juan Capistrano
Classification: Uncertain significance. Last evaluated: 2020-03-19. Review status: criteria provided, single submitter. Criteria: Quest Diagnostics criteria. Collection method: clinical testing. Allele origin: unknown.

NM_006231.4(POLE):c.3968C>T (p.Ala1323Val)

Gene: POLE (DNA polymerase epsilon, catalytic subunit; minus strand). Cytogenetic location: 12q24.33.
Variant type: single nucleotide variant.
Coding change: c.3968C>T on transcript NM_006231.4 (MANE Select); coding-DNA position 3968, C replaced by T.
Protein change: p.Ala1323Val; replaces alanine 1323 with valine.
Molecular consequence: missense variant.
Genome position (GRCh38, 1-based): chr12:132,649,343, G>A on the plus strand (C>T on the coding strand, the complement: POLE is on the minus strand). VCF-style: chr12-132649343-G-A. GRCh37 (hg19) VCF-style: chr12-133225929-G-A.
Other names: short protein forms A1323V.
Identifiers: ClinVar variation 572422 (VCV000572422.17), dbSNP rs550525366, ClinGen allele CA6893044.